The following is an entry in ClinVar:

NM_017777.4(MKS1):c.1295C>A (p.Ser432Tyr)

Gene: MKS1 (MKS transition zone complex subunit 1; minus strand). Cytogenetic location: 17q22.
Variant type: single nucleotide variant.
Coding change: c.1295C>A on transcript NM_017777.4 (MANE Select); coding-DNA position 1295, C replaced by A.
Protein change: p.Ser432Tyr; replaces serine 432 with tyrosine.
Molecular consequence: missense variant. On other transcripts: intron variant (1).
Genome position (GRCh38, 1-based): chr17:58,207,197, G>T on the plus strand (C>A on the coding strand, the complement: MKS1 is on the minus strand). VCF-style: chr17-58207197-G-T. GRCh37 (hg19) VCF-style: chr17-56284558-G-T.
Other names: c.686C>A, p.Ser229Tyr (NM_001321268.2); c.1295C>A, p.Ser432Tyr (NM_001321269.2); c.1273+697C>A (NM_001330397.2); short protein forms S229Y, S432Y.
Identifiers: ClinVar variation 2091991 (VCV002091991.4), dbSNP rs774384333, ClinGen allele CA400325026.

ClinVar aggregate classification (germline): Uncertain significance (1 of 4 stars; one submission).

Conditions:
Joubert syndrome. Also called: CEREBELLOPARENCHYMAL DISORDER IV; JOUBERT-BOLTSHAUSER SYNDROME; Familial aplasia of the vermis. Identifiers: Orphanet 475, MedGen C5979921, MONDO:0018772.
Meckel-Gruber syndrome. Also called: DYSENCEPHALIA SPLANCHNOCYSTICA; GRUBER SYNDROME; Dysencephalia splachnocystica. Identifiers: Orphanet 564, MedGen C0265215, MONDO:0018921.

gnomAD v4.1: 1 of 1,614,174 alleles (0.000062%); highest among the groups gnomAD compares: Non-Finnish European, 0.000085%; no homozygotes.

Submission:

Labcorp Genetics (formerly Invitae), Labcorp
Classification: Uncertain significance for Joubert syndrome; Meckel-Gruber syndrome. Last evaluated: 2024-10-26. Review status: criteria provided, single submitter. Criteria: Invitae Variant Classification Sherloc (09022015). Collection method: clinical testing. Allele origin: germline.
Comment: This sequence change replaces serine, which is neutral and polar, with tyrosine, which is neutral and polar, at codon 432 of the MKS1 protein (p.Ser432Tyr). This variant is not present in population databases (gnomAD no frequency). This variant has not been reported in the literature in individuals affected with MKS1-related conditions. ClinVar contains an entry for this variant (Variation ID: 2091991). Invitae Evidence Modeling of protein sequence and biophysical properties (such as structural, functional, and spatial information, amino acid conservation, physicochemical variation, residue mobility, and thermodynamic stability) indicates that this missense variant is not expected to disrupt MKS1 protein function with a negative predictive value of 80%. In summary, the available evidence is currently insufficient to determine the role of this variant in disease. Therefore, it has been classified as a Variant of Uncertain Significance.